The following is an entry in ClinVar:

NM_182493.3(MYLK3):c.1515G>T (p.Lys505Asn)

Gene: MYLK3 (myosin light chain kinase 3; minus strand). Cytogenetic location: 16q11.2.
Variant type: single nucleotide variant.
Coding change: c.1515G>T on transcript NM_182493.3 (MANE Select); coding-DNA position 1515, G replaced by T.
Protein change: p.Lys505Asn; replaces lysine 505 with asparagine.
Molecular consequence: missense variant.
Genome position (GRCh38, 1-based): chr16:46,730,646, C>A on the plus strand (G>T on the coding strand, the complement: MYLK3 is on the minus strand). VCF-style: chr16-46730646-C-A. GRCh37 (hg19) VCF-style: chr16-46764558-C-A.
Other names: c.492G>T, p.Lys164Asn (NM_001308301.1); short protein forms K164N, K505N.
Identifiers: ClinVar variation 1440111 (VCV001440111.8), dbSNP rs1043201067, ClinGen allele CA280228221.
Genomic context (GRCh38, chr16:46,730,646, plus strand): 5'-CACCTACCCTCCCAAGACTTCGTGCTGGCACACCTCGTAACCCGCAGAGATGGAGGTCTC[C>A]TTGACGCTCACTACCCGGTGTTCAAAAGGAGCTGGTGGGGCCGGACTGTCATCTGCTCAG-3'
Protein context (NP_872299.2, residues 495-515): APFEHRVVSV[Lys505Asn]ETSISAGYEV

ClinVar aggregate classification (germline): Uncertain significance (1 of 4 stars; one submission).

Allele frequency attached by ClinVar (database versions not stated): gnomAD exomes below 0.00001; TOPMed below 0.00001.
gnomAD v4.1: 1 of 1,614,094 alleles (0.000062%); highest among the groups gnomAD compares: Non-Finnish European, 0.000085%; no homozygotes.

Submission:

Labcorp Genetics (formerly Invitae), Labcorp
Classification: Uncertain significance. Last evaluated: 2025-10-21. Review status: criteria provided, single submitter. Criteria: Invitae Variant Classification Sherloc (09022015). Collection method: clinical testing. Allele origin: germline.
Comment: This sequence change replaces lysine, which is basic and polar, with asparagine, which is neutral and polar, at codon 505 of the MYLK3 protein (p.Lys505Asn). This variant is not present in population databases (gnomAD no frequency). This variant has not been reported in the literature in individuals affected with MYLK3-related conditions. ClinVar contains an entry for this variant (Variation ID: 1440111). An algorithm developed to predict the effect of missense changes on protein structure and function (PolyPhen-2) suggests that this variant is likely to be disruptive. In summary, the available evidence is currently insufficient to determine the role of this variant in disease. Therefore, it has been classified as a Variant of Uncertain Significance.